The following is an entry in ClinVar:

NM_020765.3(UBR4):c.12117T>C (p.Val4039=)

Gene: UBR4 (ubiquitin protein ligase E3 component n-recognin 4; minus strand). Cytogenetic location: 1p36.13.
Variant type: single nucleotide variant.
Coding change: c.12117T>C on transcript NM_020765.3 (MANE Select); coding-DNA position 12117, T replaced by C.
Protein change: p.Val4039=; no amino-acid change (valine 4039 retained).
Molecular consequence: synonymous variant.
Genome position (GRCh38, 1-based): chr1:19,106,955, A>G on the plus strand (T>C on the coding strand, the complement: UBR4 is on the minus strand). VCF-style: chr1-19106955-A-G. GRCh37 (hg19) VCF-style: chr1-19433449-A-G.
Identifiers: ClinVar variation 3059919 (VCV003059919.2), dbSNP rs6426677, ClinGen allele CA648800.

ClinVar aggregate classification (germline): Benign (0 of 4 stars; one submission).

Conditions:
UBR4-related disorder. Also called: UBR4-related condition.

Allele frequency attached by ClinVar (database versions not stated): gnomAD exomes 0.62411; ExAC 0.64607; ESP Exome Variant Server 0.67177; gnomAD 0.67331; TOPMed 0.69795; 1000 Genomes Project 0.71925; 1000 Genomes Project 30x 0.71971.
gnomAD v4.1: 1,013,570 of 1,611,388 alleles (63%); highest among the groups gnomAD compares: East Asian, 83%; 322,854 homozygotes.

Submission:

PreventionGenetics, part of Exact Sciences
Classification: Benign for UBR4-related condition. Last evaluated: 2019-07-08. Review status: no assertion criteria provided. Collection method: clinical testing. Allele origin: germline.
Comment: This variant is classified as benign based on ACMG/AMP sequence variant interpretation guidelines (Richards et al. 2015 PMID: 25741868, with internal and published modifications).